The following is an entry in ClinVar:

NM_000138.5(FBN1):c.1156_1167del (p.Asn386_Cys389del)

Gene: FBN1 (fibrillin 1; minus strand). Cytogenetic location: 15q21.1.
Variant type: Deletion.
Coding change: c.1156_1167del on transcript NM_000138.5 (MANE Select); coding-DNA positions 1156 to 1167, 12 bases deleted (AACAAGCTGTGC).
Protein change: p.Asn386_Cys389del.
Molecular consequence: inframe deletion.
Genome position (GRCh38, 1-based): chr15:48,516,343-48,516,354, GCACAGCTTGTT deleted on the plus strand (AACAAGCTGTGC on the coding strand, the reverse complement: FBN1 is on the minus strand); deleting any 12 consecutive bases within chr15:48,516,343-48,516,355 gives the same sequence; the c. name uses the placement nearest the transcript's 3' end. VCF-style (leftmost placement, unchanged base first): chr15-48516342-AGCACAGCTTGTT-A. GRCh37 (hg19) VCF-style: chr15-48808539-AGCACAGCTTGTT-A.
Other names: c.1156_1167delAACAAGCTGTGC (NM_000138.4).
Identifiers: ClinVar variation 162038 (VCV000162038.1), dbSNP rs672601352, ClinGen allele CA011988.

ClinVar aggregate classification (germline): Likely pathogenic. Review status: no assertion criteria provided (0 of 4 stars). 2 submissions from 1 submitter: Likely pathogenic (1). 1 of the submissions does not count toward it. Last evaluated 2017-11-07.

Conditions:
Marfan syndrome (MFS). Also called: Marfan syndrome, classic; FBN1-Related Marfan Syndrome; Marfan syndrome type 1; Marfan's syndrome; MARFAN SYNDROME, TYPE I. Identifiers: Orphanet 284963, Orphanet 558, MedGen C0024796, MONDO:0007947, OMIM 154700.

Submissions (2):

Center for Medical Genetics Ghent, University of Ghent
Classification: Likely pathogenic for Marfan syndrome. Last evaluated: 2017-11-07. Review status: no assertion criteria provided. Collection method: clinical testing. Allele origin: germline. Affected: yes.

Center for Medical Genetics Ghent, University of Ghent
Classification: Pathogenic for Marfan syndrome. Last evaluated: 2011-10-01. Review status: flagged submission. Collection method: clinical testing. Allele origin: germline. Affected: yes. Not counted in ClinVar's aggregate classification.
ClinVar note: Reason: This record appears to be redundant with a more recent record from the same submitter.
ClinVar note: Notes: SCV000196099 appears to be redundant with SCV000786735.